The following is an entry in ClinVar:

NM_001145026.2(PTPRQ):c.51A>C (p.Thr17=)

Gene: PTPRQ (protein tyrosine phosphatase receptor type Q; plus strand). Cytogenetic location: 12q21.31.
Variant type: single nucleotide variant.
Coding change: c.51A>C on transcript NM_001145026.2 (MANE Select); coding-DNA position 51, A replaced by C.
Protein change: p.Thr17=; no amino-acid change (threonine 17 retained).
Molecular consequence: synonymous variant.
Genome position (GRCh38, 1-based): chr12:80,444,396, A>C. VCF-style: chr12-80444396-A-C. GRCh37 (hg19) VCF-style: chr12-80838176-A-C.
Identifiers: ClinVar variation 2672512 (VCV002672512.23), dbSNP rs1046355086, ClinGen allele CA240213144.

ClinVar aggregate classification (germline): Likely benign (1 of 4 stars; one submission).

Allele frequency attached by ClinVar (database versions not stated): TOPMed below 0.00001.
gnomAD v4.1: 5 of 1,456,518 alleles (0.00034%); highest among the groups gnomAD compares: Middle Eastern, 0.035%; no homozygotes.

Submission:

CeGaT Center for Human Genetics Tuebingen
Classification: Likely benign. Last evaluated: 2023-11-01. Review status: criteria provided, single submitter. Criteria: CeGaT Center For Human Genetics Tuebingen Variant Classification Criteria Version 2. Collection method: clinical testing. Allele origin: germline. Affected: yes. Observed: 1 variant allele.
Comment: PTPRQ: PM2:Supporting, BP4, BP7